The following is an entry in ClinVar:

NM_005035.4(POLRMT):c.3578C>T (p.Ser1193Phe)

Gene: POLRMT (RNA polymerase mitochondrial; minus strand). Cytogenetic location: 19p13.3.
Variant type: single nucleotide variant.
Coding change: c.3578C>T on transcript NM_005035.4 (MANE Select); coding-DNA position 3578, C replaced by T.
Protein change: p.Ser1193Phe; replaces serine 1193 with phenylalanine.
Molecular consequence: missense variant.
Genome position (GRCh38, 1-based): chr19:617,573, G>A on the plus strand (C>T on the coding strand, the complement: POLRMT is on the minus strand). VCF-style: chr19-617573-G-A. GRCh37 (hg19) VCF-style: chr19-617573-G-A.
Other names: short protein forms S1193F.
Identifiers: ClinVar variation 788616 (VCV000788616.9), dbSNP rs142850300, ClinGen allele CA9019103.
Genomic context (GRCh38, chr19:617,573, plus strand): 5'-GGCCAGGTTTTGGGGTGGGGGGGGAATCCAGGTAGTTGGGGTCAGGGAGCGCCTTACTCA[G>A]AGCAGAACCGCTTGACCAGGAATCTGGACAGGTCCTGCAGGATGGGCTCGCTGTGCAAGC-3'
Protein context (NP_005026.3, residues 1183-1203): LSRFLVKRFC[Ser1193Phe]EPQKILEASQ

ClinVar aggregate classification (germline): Benign/Likely benign. Review status: criteria provided, multiple submitters, no conflicts (2 of 4 stars). 2 submissions from 2 submitters: Benign (1); Likely benign (1). Last evaluated 2025-11-01.

Allele frequency attached by ClinVar (database versions not stated): gnomAD exomes 0.00047 and 0.00122; ExAC 0.00147; gnomAD 0.00465 and 0.00495; TOPMed 0.00540; ESP Exome Variant Server 0.00561; 1000 Genomes Project 0.00579; 1000 Genomes Project 30x 0.00625.
gnomAD v4.1: 1,433 of 1,611,776 alleles (0.089%); highest among the groups gnomAD compares: African/African-American, 1.7%; 6 homozygotes.

Submissions (2):

CeGaT Center for Human Genetics Tuebingen
Classification: Likely benign. Last evaluated: 2025-11-01. Review status: criteria provided, single submitter. Criteria: CeGaT Center For Human Genetics Tuebingen Variant Classification Criteria Version 2. Collection method: clinical testing. Allele origin: germline. Affected: yes. Observed: 1 variant allele.
Comment: POLRMT: BP4, BS1

Labcorp Genetics (formerly Invitae), Labcorp
Classification: Benign. Last evaluated: 2018-04-10. Review status: criteria provided, single submitter. Criteria: Invitae Variant Classification Sherloc (09022015). Collection method: clinical testing. Allele origin: germline.